The following is an entry in ClinVar:

NM_005566.4(LDHA):c.126+204C>T

Gene: LDHA (lactate dehydrogenase A; plus strand). Cytogenetic location: 11p15.1.
Variant type: single nucleotide variant.
Coding change: c.126+204C>T on transcript NM_005566.4 (MANE Select); 204 bases into the intron after coding-DNA position 126, C replaced by T.
Molecular consequence: intron variant.
Genome position (GRCh38, 1-based): chr11:18,397,172, C>T. VCF-style: chr11-18397172-C-T. GRCh37 (hg19) VCF-style: chr11-18418719-C-T.
Other names: c.126+204C>T (NM_001165416.2, NM_001135239.2, NM_001165415.2); c.213+204C>T (NM_001165414.2).
Identifiers: ClinVar variation 683023 (VCV000683023.2), dbSNP rs4274186, ClinGen allele CA13565814.

ClinVar aggregate classification (germline): Benign. Review status: criteria provided, multiple submitters, no conflicts (2 of 4 stars). 2 submissions from 2 submitters: Benign (2). Last evaluated 2018-06-14.

Allele frequency attached by ClinVar (database versions not stated): 1000 Genomes Project 30x 0.62711; 1000 Genomes Project 0.63419; TOPMed 0.63425; gnomAD 0.64512 and 0.65055; gnomAD exomes 0.71065.
gnomAD v4.1: 351,042 of 507,206 alleles (69%); highest among the groups gnomAD compares: South Asian, 75%; 123,740 homozygotes.

Submissions (2):

GeneDx
Classification: Benign. Last evaluated: 2018-06-14. Review status: criteria provided, single submitter. Criteria: GeneDx Variant Classification (06012015). Collection method: clinical testing. Allele origin: germline. Affected: yes.
Comment: This variant is considered likely benign or benign based on one or more of the following criteria: it is a conservative change, it occurs at a poorly conserved position in the protein, it is predicted to be benign by multiple in silico algorithms, and/or has population frequency not consistent with disease.

Breakthrough Genomics
Classification: Benign. Review status: criteria provided, single submitter. Criteria: ACMG Guidelines, 2015. Collection method: not provided. Allele origin: germline. Inheritance: Autosomal recessive inheritance. Affected: yes.